The following is an entry in ClinVar:

NM_016816.4(OAS1):c.463G>A (p.Ala155Thr)

Gene: OAS1 (2'-5'-oligoadenylate synthetase 1; plus strand). Cytogenetic location: 12q24.13.
Variant type: single nucleotide variant.
Coding change: c.463G>A on transcript NM_016816.4 (MANE Select); coding-DNA position 463, G replaced by A.
Protein change: p.Ala155Thr; replaces alanine 155 with threonine.
Molecular consequence: missense variant. On other transcripts: non-coding transcript variant (9), intron variant (4).
Genome position (GRCh38, 1-based): chr12:112,908,818, G>A. VCF-style: chr12-112908818-G-A. GRCh37 (hg19) VCF-style: chr12-113346623-G-A.
Other names: c.463G>A, p.Ala155Thr (NM_001032409.3, NM_001320151.2, NM_001406020.1 and 7 more transcripts); c.180+1599G>A (NM_001406030.1, NM_001406029.1, NM_001406027.1 and 1 more transcripts); short protein forms A155T.
Identifiers: ClinVar variation 2984501 (VCV002984501.3), dbSNP rs1249422803, ClinGen allele CA386801189.
Genomic context (GRCh38, chr12:112,908,818, plus strand): 5'-GTACTGAGTTCGCTCCAGCTCGGGGAGGGGGTGGAGTTCGATGTGCTGCCTGCCTTTGAT[G>A]CCCTGGGTGAGAGCTCCCAGCTTCTTTTTCTCCCTCTTCCCATTTCTGAGCAGAAATCTC-3'
Protein context (NP_058132.2, residues 145-165): VEFDVLPAFD[Ala155Thr]LGQLTGGYKP

ClinVar aggregate classification (germline): Uncertain significance (1 of 4 stars; one submission).

Allele frequency attached by ClinVar (database versions not stated): TOPMed below 0.00001; gnomAD 0.00001; gnomAD exomes 0.00001.
gnomAD v4.1: 10 of 1,583,564 alleles (0.00063%); highest among the groups gnomAD compares: Non-Finnish European, 0.00077%; no homozygotes.

Submission:

Labcorp Genetics (formerly Invitae), Labcorp
Classification: Uncertain significance. Last evaluated: 2024-03-12. Review status: criteria provided, single submitter. Criteria: Invitae Variant Classification Sherloc (09022015). Collection method: clinical testing. Allele origin: germline.
Comment: This sequence change replaces alanine, which is neutral and non-polar, with threonine, which is neutral and polar, at codon 155 of the OAS1 protein (p.Ala155Thr). This variant is not present in population databases (gnomAD no frequency). This variant has not been reported in the literature in individuals affected with OAS1-related conditions. An algorithm developed to predict the effect of missense changes on protein structure and function (PolyPhen-2) suggests that this variant is likely to be disruptive. In summary, the available evidence is currently insufficient to determine the role of this variant in disease. Therefore, it has been classified as a Variant of Uncertain Significance.